The following is an entry in ClinVar:

ClinVar aggregate classification (germline): Uncertain significance (1 of 4 stars; one submission).

Conditions:
Spastic ataxia 2. Also called: Ataxia, spastic, 2, autosomal recessive. Identifiers: Orphanet 397946, MedGen C1969796, MONDO:0012651, OMIM 611302.

Allele frequency attached by ClinVar (database versions not stated): TOPMed below 0.00001.
gnomAD v4.1: 4 of 1,606,284 alleles (0.00025%); highest among the groups gnomAD compares: Admixed American, 0.0034%; no homozygotes.

Submission:

Labcorp Genetics (formerly Invitae), Labcorp
Classification: Uncertain significance for Spastic ataxia 2. Last evaluated: 2022-07-27. Review status: criteria provided, single submitter. Criteria: Invitae Variant Classification Sherloc (09022015). Collection method: clinical testing. Allele origin: germline.
Comment: This sequence change falls in intron 14 of the KIF1C gene. It does not directly change the encoded amino acid sequence of the KIF1C protein. It affects a nucleotide within the consensus splice site. This variant is present in population databases (no rsID available, gnomAD 0.007%). This variant has not been reported in the literature in individuals affected with KIF1C-related conditions. Variants that disrupt the consensus splice site are a relatively common cause of aberrant splicing (PMID: 17576681, 9536098). Algorithms developed to predict the effect of sequence changes on RNA splicing suggest that this variant is not likely to affect RNA splicing. In summary, the available evidence is currently insufficient to determine the role of this variant in disease. Therefore, it has been classified as a Variant of Uncertain Significance.

Literature cited by the submitters: PubMed 17576681; PubMed 9536098.

NM_006612.6(KIF1C):c.1336-3C>T

Gene: KIF1C (kinesin family member 1C; plus strand). Cytogenetic location: 17p13.2.
Variant type: single nucleotide variant.
Coding change: c.1336-3C>T on transcript NM_006612.6 (MANE Select); 3 bases into the intron before coding-DNA position 1336, C replaced by T.
Molecular consequence: intron variant.
Genome position (GRCh38, 1-based): chr17:5,007,260, C>T. VCF-style: chr17-5007260-C-T. GRCh37 (hg19) VCF-style: chr17-4910555-C-T.
Identifiers: ClinVar variation 1981738 (VCV001981738.4), dbSNP rs758006401, ClinGen allele CA287216245.
Genomic context (GRCh38, chr17:5,007,260, plus strand): 5'-TGTCCCTACCCTGGGTCTGCTTGTCCCAGACCATCCTGAAACCTACCCACCTTACGCCCC[C>T]AGGAGACAGAGAAGATTATAGCTGAGCTGAACGAGACATGGGAGGAGAAGCTACGCAAGA-3'